The following is an entry in ClinVar:

ClinVar aggregate classification (germline): Uncertain significance (1 of 4 stars; one submission).

Conditions:
Dilated cardiomyopathy 1JJ (CMD1JJ). Identifiers: Orphanet 154, MedGen C3808935, MONDO:0014095, OMIM 615235.

Submission:

Labcorp Genetics (formerly Invitae), Labcorp
Classification: Uncertain significance for Dilated cardiomyopathy 1JJ. Last evaluated: 2022-03-18. Review status: criteria provided, single submitter. Criteria: Invitae Variant Classification Sherloc (09022015). Collection method: clinical testing. Allele origin: germline.
Comment: This variant is not present in population databases (gnomAD no frequency). This variant has not been reported in the literature in individuals affected with LAMA4-related conditions. ClinVar contains an entry for this variant (Variation ID: 239116). Algorithms developed to predict the effect of missense changes on protein structure and function are either unavailable or do not agree on the potential impact of this missense change (SIFT: "Deleterious"; PolyPhen-2: "Benign"; Align-GVGD: "Class C0"). In summary, the available evidence is currently insufficient to determine the role of this variant in disease. Therefore, it has been classified as a Variant of Uncertain Significance. This sequence change replaces proline, which is neutral and non-polar, with arginine, which is basic and polar, at codon 33 of the LAMA4 protein (p.Pro33Arg).

NM_001105206.3(LAMA4):c.98C>G (p.Pro33Arg)

Genes: LAMA4 (laminin subunit alpha 4; minus strand), LAMA4-AS1 (LAMA4 antisense RNA 1; plus strand). Cytogenetic location: 6q21.
Variant type: single nucleotide variant.
Coding change: c.98C>G on transcript NM_001105206.3 (MANE Select); coding-DNA position 98, C replaced by G.
Protein change: p.Pro33Arg; replaces proline 33 with arginine.
Molecular consequence: missense variant.
Genome position (GRCh38, 1-based): chr6:112,254,053, G>C on the plus strand (C>G on the coding strand, the complement: LAMA4 is on the minus strand). VCF-style: chr6-112254053-G-C. GRCh37 (hg19) VCF-style: chr6-112575255-G-C.
Other names: c.98C>G, p.Pro33Arg (NM_001105207.3, NM_001105208.3, NM_001105209.3 and 1 more transcripts); short protein forms P33R.
Identifiers: ClinVar variation 239116 (VCV000239116.8), dbSNP rs782047461, ClinGen allele CA10582439.